The following is an entry in ClinVar:

NM_152424.4(AMER1):c.823G>T (p.Ala275Ser)

Gene: AMER1 (APC membrane recruitment protein 1; minus strand). Cytogenetic location: Xq11.2.
Variant type: single nucleotide variant.
Coding change: c.823G>T on transcript NM_152424.4 (MANE Select); coding-DNA position 823, G replaced by T.
Protein change: p.Ala275Ser; replaces alanine 275 with serine.
Molecular consequence: missense variant.
Genome position (GRCh38, 1-based): chrX:64,192,464, C>A on the plus strand (G>T on the coding strand, the complement: AMER1 is on the minus strand). VCF-style: chrX-64192464-C-A. GRCh37 (hg19) VCF-style: chrX-63412344-C-A.
Other names: short protein forms A275S.
Identifiers: ClinVar variation 4851936 (VCV004851936.1).
Genomic context (GRCh38, chrX:64,192,464, plus strand): 5'-CTACTACCTTCTCCCCTGTTTCTGGGCTATGGGGCTCCTCTAGGCTACTGGCTTCAGGGG[C>A]AGGCTTGGGTTGCACATGTGCTGAGGCACAGGCCTCCATGGGTTTTTCTGGATCTTTACA-3'
Protein context (NP_689637.3, residues 265-285): CASAHVQPKP[Ala275Ser]PEASSLEEPH

ClinVar aggregate classification (germline): Likely benign (1 of 4 stars; one submission).

Submission:

Dasa
Classification: Likely benign. Last evaluated: 2025-08-24. Review status: criteria provided, single submitter. Criteria: DASA Assertion Criteria. Collection method: clinical testing. Allele origin: germline.
Comment: NM_152424.4(AMER1):c.823G>T (p.Ala275Ser) is a missense variant that results in the substitution of alanine with serine. Multiple computational predictions suggest no deleterious effect on the gene or gene product. The variant is present at low frequency in population datasets. Based on the available data, this variant is classified as likely benign.